The following is an entry in ClinVar:

NM_002834.5(PTPN11):c.1054G>C (p.Val352Leu)

Gene: PTPN11 (protein tyrosine phosphatase non-receptor type 11; plus strand). Cytogenetic location: 12q24.13.
Variant type: single nucleotide variant.
Coding change: c.1054G>C on transcript NM_002834.5 (MANE Select); coding-DNA position 1054, G replaced by C.
Protein change: p.Val352Leu; replaces valine 352 with leucine.
Molecular consequence: missense variant.
Genome position (GRCh38, 1-based): chr12:112,477,977, G>C. VCF-style: chr12-112477977-G-C. GRCh37 (hg19) VCF-style: chr12-112915781-G-C.
Other names: c.1054G>C, p.Val352Leu (NM_001330437.2, NM_080601.3); c.1051G>C, p.Val351Leu (NM_001374625.1); short protein forms V351L, V352L.
Identifiers: ClinVar variation 3427712 (VCV003427712.1).
Genomic context (GRCh38, chr12:112,477,977, plus strand): 5'-GGCTGCCTGCAAAACACGGTGAATGACTTTTGGCGGATGGTGTTCCAAGAAAACTCCCGA[G>C]TGATTGTCATGACAACGAAAGAAGTGGAGAGAGGAAAGGTAAATCACAGAAACTTCTTTT-3'
Protein context (NP_002825.3, residues 342-362): WRMVFQENSR[Val352Leu]IVMTTKEVER

ClinVar aggregate classification (germline): Uncertain significance (1 of 4 stars; one submission).

Conditions:
Cardiovascular phenotype. Identifiers: MedGen CN230736.

gnomAD v4.1: 1 of 1,614,008 alleles (0.000062%); highest among the groups gnomAD compares: East Asian, 0.0022%; no homozygotes.

Submission:

Ambry Genetics
Classification: Uncertain significance for Cardiovascular phenotype. Last evaluated: 2024-11-26. Review status: criteria provided, single submitter. Criteria: Ambry Variant Classification Scheme 2023. Collection method: clinical testing. Allele origin: germline.
Comment: The p.V352L variant (also known as c.1054G>C), located in coding exon 9 of the PTPN11 gene, results from a G to C substitution at nucleotide position 1054. The valine at codon 352 is replaced by leucine, an amino acid with highly similar properties. This amino acid position is highly conserved in available vertebrate species. In addition, this alteration is predicted to be deleterious by in silico analysis. Based on the available evidence, the clinical significance of this variant remains unclear.